The following is an entry in ClinVar:

NM_000748.3(CHRNB2):c.313G>A (p.Val105Ile)

Gene: CHRNB2 (cholinergic receptor nicotinic beta 2 subunit; plus strand). Cytogenetic location: 1q21.3.
Variant type: single nucleotide variant.
Coding change: c.313G>A on transcript NM_000748.3 (MANE Select); coding-DNA position 313, G replaced by A.
Protein change: p.Val105Ile; replaces valine 105 with isoleucine.
Molecular consequence: missense variant.
Genome position (GRCh38, 1-based): chr1:154,570,315, G>A. VCF-style: chr1-154570315-G-A. GRCh37 (hg19) VCF-style: chr1-154542791-G-A.
Other names: short protein forms V105I.
Identifiers: ClinVar variation 2772229 (VCV002772229.3), dbSNP rs1571020900, ClinGen allele CA342629738.
Genomic context (GRCh38, chr1:154,570,315, plus strand): 5'-CAGGAGTGGGAAGATTATCGCCTCACCTGGAAGCCTGAAGAGTTTGACAACATGAAGAAA[G>A]TTCGGCTCCCTTCCAAACACATCTGGCTCCCAGATGTGGTCCTGTACAACAAGTAGGTGC-3'
Protein context (NP_000739.1, residues 95-115): KPEEFDNMKK[Val105Ile]RLPSKHIWLP

ClinVar aggregate classification (germline): Uncertain significance (1 of 4 stars; one submission).

Conditions:
Familial sleep-related hypermotor epilepsy. Also called: Autosomal Dominant Sleep-Related Hypermotor (Hyperkinetic) Epilepsy. Identifiers: Orphanet 98784, MedGen C3696898, MONDO:0000030.

Submission:

Labcorp Genetics (formerly Invitae), Labcorp
Classification: Uncertain significance. Last evaluated: 2023-10-28. Review status: criteria provided, single submitter. Criteria: Invitae Variant Classification Sherloc (09022015). Collection method: clinical testing. Allele origin: germline.
Comment: This sequence change replaces valine, which is neutral and non-polar, with isoleucine, which is neutral and non-polar, at codon 105 of the CHRNB2 protein (p.Val105Ile). This variant is not present in population databases (gnomAD no frequency). This variant has not been reported in the literature in individuals affected with CHRNB2-related conditions. Advanced modeling of protein sequence and biophysical properties (such as structural, functional, and spatial information, amino acid conservation, physicochemical variation, residue mobility, and thermodynamic stability) performed at Invitae indicates that this missense variant is not expected to disrupt CHRNB2 protein function with a negative predictive value of 80%. In summary, the available evidence is currently insufficient to determine the role of this variant in disease. Therefore, it has been classified as a Variant of Uncertain Significance.